The following is an entry in ClinVar:

NM_003356.4(UCP3):c.717C>T (p.Asp239=)

Gene: UCP3 (uncoupling protein 3; minus strand). Cytogenetic location: 11q13.4.
Variant type: single nucleotide variant.
Coding change: c.717C>T on transcript NM_003356.4 (MANE Select); coding-DNA position 717, C replaced by T.
Protein change: p.Asp239=; no amino-acid change (aspartic acid 239 retained).
Molecular consequence: synonymous variant.
Genome position (GRCh38, 1-based): chr11:74,003,934, G>A on the plus strand (C>T on the coding strand, the complement: UCP3 is on the minus strand). VCF-style: chr11-74003934-G-A. GRCh37 (hg19) VCF-style: chr11-73714979-G-A.
Other names: c.717C>T, p.Asp239= (NM_022803.3).
Identifiers: ClinVar variation 3049419 (VCV003049419.2), dbSNP rs777058329, ClinGen allele CA6181383.

ClinVar aggregate classification (germline): Likely benign (0 of 4 stars; one submission).

Conditions:
UCP3-related disorder. Also called: UCP3-related condition.

Allele frequency attached by ClinVar (database versions not stated): ExAC 0.00001; gnomAD exomes 0.00001; TOPMed 0.00002.
gnomAD v4.1: 20 of 1,614,138 alleles (0.0012%); highest among the groups gnomAD compares: South Asian, 0.0044%; no homozygotes.

Submission:

PreventionGenetics, part of Exact Sciences
Classification: Likely benign for UCP3-related condition. Last evaluated: 2021-08-16. Review status: no assertion criteria provided. Collection method: clinical testing. Allele origin: germline.
Comment: This variant is classified as likely benign based on ACMG/AMP sequence variant interpretation guidelines (Richards et al. 2015 PMID: 25741868, with internal and published modifications).